The following is an entry in ClinVar:

NM_014975.3(MAST1):c.604C>A (p.Arg202Ser)

Genes: MAST1 (microtubule associated serine/threonine kinase 1; plus strand), LOC117125587 (CRISPRi-FlowFISH-validated KLF1 and PRDX2 regulatory element; plus strand). Cytogenetic location: 19p13.13.
Variant type: single nucleotide variant.
Coding change: c.604C>A on transcript NM_014975.3 (MANE Select); coding-DNA position 604, C replaced by A.
Protein change: p.Arg202Ser; replaces arginine 202 with serine.
Molecular consequence: missense variant.
Genome position (GRCh38, 1-based): chr19:12,847,887, C>A. VCF-style: chr19-12847887-C-A. GRCh37 (hg19) VCF-style: chr19-12958701-C-A.
Other names: short protein forms R202S.
Identifiers: ClinVar variation 3669542 (VCV003669542.2).
Genomic context (GRCh38, chr19:12,847,887, plus strand): 5'-CCTCCTCCGTCCCTCCCGCAGGCCACTGCGCAGATGGAGGAGAAGCTGCGCGACTTTACC[C>A]GCGCCTACGAACCCGACAGCGTTCTGCCTCTGGCCGATGGCGTGCTCAGCTTCATCCACC-3'
Protein context (NP_055790.1, residues 192-212): QMEEKLRDFT[Arg202Ser]AYEPDSVLPL

ClinVar aggregate classification (germline): Uncertain significance (1 of 4 stars; one submission).

Submission:

Labcorp Genetics (formerly Invitae), Labcorp
Classification: Uncertain significance. Last evaluated: 2025-06-20. Review status: criteria provided, single submitter. Criteria: Invitae Variant Classification Sherloc (09022015). Collection method: clinical testing. Allele origin: germline.
Comment: This sequence change replaces arginine, which is basic and polar, with serine, which is neutral and polar, at codon 202 of the MAST1 protein (p.Arg202Ser). This variant is not present in population databases (gnomAD no frequency). This variant has not been reported in the literature in individuals affected with MAST1-related conditions. ClinVar contains an entry for this variant (Variation ID: 3669542). An algorithm developed to predict the effect of missense changes on protein structure and function (PolyPhen-2) suggests that this variant is likely to be tolerated. In summary, the available evidence is currently insufficient to determine the role of this variant in disease. Therefore, it has been classified as a Variant of Uncertain Significance.